The following is an entry in ClinVar:

NM_001136472.2(LITAF):c.236T>C (p.Val79Ala)

Gene: LITAF (lipopolysaccharide induced TNF factor; minus strand). Cytogenetic location: 16p13.13.
Variant type: single nucleotide variant.
Coding change: c.236T>C on transcript NM_001136472.2 (MANE Select); coding-DNA position 236, T replaced by C.
Protein change: p.Val79Ala; replaces valine 79 with alanine.
Molecular consequence: missense variant. On other transcripts: non-coding transcript variant (1).
Genome position (GRCh38, 1-based): chr16:11,553,674, A>G on the plus strand (T>C on the coding strand, the complement: LITAF is on the minus strand). VCF-style: chr16-11553674-A-G. GRCh37 (hg19) VCF-style: chr16-11647530-A-G.
Other names: c.236T>C, p.Val79Ala (NM_001136473.1, NM_004862.4); short protein forms V79A.
Identifiers: ClinVar variation 654391 (VCV000654391.8), dbSNP rs1597329501, ClinGen allele CA394766064.

ClinVar aggregate classification (germline): Uncertain significance (1 of 4 stars; one submission).

Conditions:
Charcot-Marie-Tooth disease type 1C. Also called: CHARCOT-MARIE-TOOTH NEUROPATHY, TYPE 1C; NEUROPATHY, HEREDITARY MOTOR AND SENSORY, TYPE IC; CMT, SLOW NERVE CONDUCTION TYPE C; HMSN IC; Charcot-Marie-Tooth disease, type IC; CHARCOT-MARIE-TOOTH DISEASE, DEMYELINATING, TYPE 1C. Identifiers: Orphanet 101083, MedGen C0270913, MONDO:0010995, OMIM 601098.

Allele frequency attached by ClinVar (database versions not stated): gnomAD exomes below 0.00001; TOPMed 0.00001.
gnomAD v4.1: 1 of 1,614,154 alleles (0.000062%); highest among the groups gnomAD compares: Non-Finnish European, 0.000085%; no homozygotes.

Submission:

Labcorp Genetics (formerly Invitae), Labcorp
Classification: Uncertain significance for Charcot-Marie-Tooth disease type 1C. Last evaluated: 2022-10-18. Review status: criteria provided, single submitter. Criteria: Invitae Variant Classification Sherloc (09022015). Collection method: clinical testing. Allele origin: germline.
Comment: This sequence change replaces valine, which is neutral and non-polar, with alanine, which is neutral and non-polar, at codon 79 of the LITAF protein (p.Val79Ala). This variant is not present in population databases (gnomAD no frequency). This variant has not been reported in the literature in individuals affected with LITAF-related conditions. ClinVar contains an entry for this variant (Variation ID: 654391). Algorithms developed to predict the effect of missense changes on protein structure and function are either unavailable or do not agree on the potential impact of this missense change (SIFT: "Tolerated"; PolyPhen-2: "Probably Damaging"; Align-GVGD: "Class C0"). In summary, the available evidence is currently insufficient to determine the role of this variant in disease. Therefore, it has been classified as a Variant of Uncertain Significance.